The following is an entry in ClinVar:

NM_145290.4(ADGRA3):c.1415G>C (p.Arg472Thr)

Gene: ADGRA3 (adhesion G protein-coupled receptor A3; minus strand). Cytogenetic location: 4p15.2.
Variant type: single nucleotide variant.
Coding change: c.1415G>C on transcript NM_145290.4 (MANE Select); coding-DNA position 1415, G replaced by C.
Protein change: p.Arg472Thr; replaces arginine 472 with threonine.
Molecular consequence: missense variant.
Genome position (GRCh38, 1-based): chr4:22,435,339, C>G on the plus strand (G>C on the coding strand, the complement: ADGRA3 is on the minus strand). VCF-style: chr4-22435339-C-G. GRCh37 (hg19) VCF-style: chr4-22436962-C-G.
Other names: c.1415G>C (NM_145290.2); short protein forms R472T.
Identifiers: ClinVar variation 1395530 (VCV001395530.9), dbSNP rs2109060077, ClinGen allele CA356481736.

ClinVar aggregate classification (germline): Uncertain significance. Review status: criteria provided, multiple submitters, no conflicts (2 of 4 stars). 2 submissions from 2 submitters: Uncertain significance (2). Last evaluated 2025-10-02.

Submissions (2):

Ambry Genetics
Classification: Uncertain significance. Last evaluated: 2025-10-02. Review status: criteria provided, single submitter. Criteria: Ambry Variant Classification Scheme 2023. Collection method: clinical testing. Allele origin: germline.

Labcorp Genetics (formerly Invitae), Labcorp
Classification: Uncertain significance. Last evaluated: 2025-01-23. Review status: criteria provided, single submitter. Criteria: Invitae Variant Classification Sherloc (09022015). Collection method: clinical testing. Allele origin: germline.
Comment: This sequence change replaces arginine, which is basic and polar, with threonine, which is neutral and polar, at codon 472 of the ADGRA3 protein (p.Arg472Thr). This variant is not present in population databases (gnomAD no frequency). This variant has not been reported in the literature in individuals affected with ADGRA3-related conditions. ClinVar contains an entry for this variant (Variation ID: 1395530). An algorithm developed to predict the effect of missense changes on protein structure and function (PolyPhen-2) suggests that this variant is likely to be tolerated. In summary, the available evidence is currently insufficient to determine the role of this variant in disease. Therefore, it has been classified as a Variant of Uncertain Significance.